The following is an entry in ClinVar:

ClinVar aggregate classification (germline): Uncertain significance (1 of 4 stars; one submission).

Conditions:
Oligodontia-cancer predisposition syndrome. Also called: TOOTH AGENESIS-COLORECTAL CANCER SYNDROME. Identifiers: Orphanet 300576, MedGen C1837750, MONDO:0012075, OMIM 608615. Disease mechanism: loss of function.

Submission:

Labcorp Genetics (formerly Invitae), Labcorp
Classification: Uncertain significance for Oligodontia-cancer predisposition syndrome. Last evaluated: 2023-08-17. Review status: criteria provided, single submitter. Criteria: Invitae Variant Classification Sherloc (09022015). Collection method: clinical testing. Allele origin: germline.
Comment: In summary, the available evidence is currently insufficient to determine the role of this variant in disease. Therefore, it has been classified as a Variant of Uncertain Significance. Advanced modeling of protein sequence and biophysical properties (such as structural, functional, and spatial information, amino acid conservation, physicochemical variation, residue mobility, and thermodynamic stability) performed at Invitae indicates that this missense variant is not expected to disrupt AXIN2 protein function. ClinVar contains an entry for this variant (Variation ID: 1998308). This variant has not been reported in the literature in individuals affected with AXIN2-related conditions. This variant is not present in population databases (gnomAD no frequency). This sequence change replaces isoleucine, which is neutral and non-polar, with threonine, which is neutral and polar, at codon 398 of the AXIN2 protein (p.Ile398Thr).

NM_004655.4(AXIN2):c.1193T>C (p.Ile398Thr)

Gene: AXIN2 (axin 2; minus strand). Cytogenetic location: 17q24.1.
Variant type: single nucleotide variant.
Coding change: c.1193T>C on transcript NM_004655.4 (MANE Select); coding-DNA position 1193, T replaced by C.
Protein change: p.Ile398Thr; replaces isoleucine 398 with threonine.
Molecular consequence: missense variant.
Genome position (GRCh38, 1-based): chr17:65,538,210, A>G on the plus strand (T>C on the coding strand, the complement: AXIN2 is on the minus strand). VCF-style: chr17-65538210-A-G. GRCh37 (hg19) VCF-style: chr17-63534328-A-G.
Other names: c.1193T>C, p.Ile398Thr (NM_001363813.1); short protein forms I398T.
Identifiers: ClinVar variation 1998308 (VCV001998308.4), dbSNP rs1598100727, ClinGen allele CA400678129.